The following is an entry in ClinVar:

NM_002907.4(RECQL):c.950-3C>T

Gene: RECQL (RecQ like helicase; minus strand). Cytogenetic location: 12p12.1.
Variant type: single nucleotide variant.
Coding change: c.950-3C>T on transcript NM_002907.4 (MANE Select); 3 bases into the intron before coding-DNA position 950, C replaced by T.
Molecular consequence: intron variant.
Genome position (GRCh38, 1-based): chr12:21,475,827, G>A on the plus strand (C>T on the coding strand, the complement: RECQL is on the minus strand). VCF-style: chr12-21475827-G-A. GRCh37 (hg19) VCF-style: chr12-21628761-G-A.
Other names: c.950-3C>T (NM_032941.3).
Identifiers: ClinVar variation 1478257 (VCV001478257.6), dbSNP rs2137341059, ClinGen allele CA2573148369.

ClinVar aggregate classification (germline): Uncertain significance (1 of 4 stars; one submission).

Submission:

Labcorp Genetics (formerly Invitae), Labcorp
Classification: Uncertain significance. Last evaluated: 2021-07-03. Review status: criteria provided, single submitter. Criteria: Invitae Variant Classification Sherloc (09022015). Collection method: clinical testing. Allele origin: germline.
Comment: In summary, the available evidence is currently insufficient to determine the role of this variant in disease. Therefore, it has been classified as a Variant of Uncertain Significance. Nucleotide substitutions within the consensus splice site are a relatively common cause of aberrant splicing (PMID: 17576681, 9536098). Algorithms developed to predict the effect of sequence changes on RNA splicing suggest that this variant is not likely to affect RNA splicing. This variant has not been reported in the literature in individuals affected with RECQL-related conditions. This variant is not present in population databases (ExAC no frequency). This sequence change falls in intron 8 of the RECQL gene. It does not directly change the encoded amino acid sequence of the RECQL protein. It affects a nucleotide within the consensus splice site of the intron.

Literature cited by the submitters: PubMed 17576681; PubMed 9536098.